The following is an entry in ClinVar:

ClinVar aggregate classification (germline): Uncertain significance (1 of 4 stars; one submission).

Allele frequency attached by ClinVar (database versions not stated): gnomAD exomes below 0.00001; ExAC 0.00001; TOPMed 0.00003; gnomAD 0.00007.
gnomAD v4.1: 14 of 1,614,086 alleles (0.00087%); highest among the groups gnomAD compares: African/African-American, 0.004%; no homozygotes.

Submission:

Labcorp Genetics (formerly Invitae), Labcorp
Classification: Uncertain significance. Last evaluated: 2022-07-28. Review status: criteria provided, single submitter. Criteria: Invitae Variant Classification Sherloc (09022015). Collection method: clinical testing. Allele origin: germline.
Comment: This sequence change replaces leucine, which is neutral and non-polar, with proline, which is neutral and non-polar, at codon 251 of the PCARE protein (p.Leu251Pro). This variant is present in population databases (rs747050528, gnomAD 0.004%). This variant has not been reported in the literature in individuals affected with PCARE-related conditions. Algorithms developed to predict the effect of missense changes on protein structure and function (SIFT, PolyPhen-2, Align-GVGD) all suggest that this variant is likely to be disruptive. In summary, the available evidence is currently insufficient to determine the role of this variant in disease. Therefore, it has been classified as a Variant of Uncertain Significance.

NM_001029883.3(PCARE):c.752T>C (p.Leu251Pro)

Gene: PCARE (photoreceptor cilium actin regulator; minus strand). Cytogenetic location: 2p23.2.
Variant type: single nucleotide variant.
Coding change: c.752T>C on transcript NM_001029883.3 (MANE Select); coding-DNA position 752, T replaced by C.
Protein change: p.Leu251Pro; replaces leucine 251 with proline.
Molecular consequence: missense variant.
Genome position (GRCh38, 1-based): chr2:29,073,510, A>G on the plus strand (T>C on the coding strand, the complement: PCARE is on the minus strand). VCF-style: chr2-29073510-A-G. GRCh37 (hg19) VCF-style: chr2-29296376-A-G.
Other names: short protein forms L251P.
Identifiers: ClinVar variation 1909733 (VCV001909733.2), dbSNP rs747050528, ClinGen allele CA1592581.